The following is an entry in ClinVar:

ClinVar aggregate classification (germline): Uncertain significance (1 of 4 stars; one submission).

Conditions:
Cystic fibrosis (CF). Also called: MUCOVISCIDOSIS. Identifiers: Orphanet 586, MedGen C0010674, MONDO:0009061, OMIM 219700. Disease mechanism: loss of function.

Submission:

Ambry Genetics
Classification: Uncertain significance for Cystic fibrosis. Last evaluated: 2025-09-22. Review status: criteria provided, single submitter. Criteria: Ambry Variant Classification Scheme 2023. Collection method: clinical testing. Allele origin: germline.
Comment: The p.M498R variant (also known as c.1493T>G), located in coding exon 11 of the CFTR gene, results from a T to G substitution at nucleotide position 1493. The methionine at codon 498 is replaced by arginine, an amino acid with similar properties. This amino acid position is conserved. In addition, this alteration is predicted to be deleterious by in silico analysis. Based on the available evidence, the clinical significance of this variant remains unclear.

NM_000492.4(CFTR):c.1493T>G (p.Met498Arg)

Genes: CFTR (CF transmembrane conductance regulator; plus strand), CFTR-AS1 (CFTR antisense RNA 1; minus strand). Cytogenetic location: 7q31.2.
Variant type: single nucleotide variant.
Coding change: c.1493T>G on transcript NM_000492.4 (MANE Select); coding-DNA position 1493, T replaced by G.
Protein change: p.Met498Arg; replaces methionine 498 with arginine.
Molecular consequence: missense variant.
Genome position (GRCh38, 1-based): chr7:117,559,564, T>G. VCF-style: chr7-117559564-T-G. GRCh37 (hg19) VCF-style: chr7-117199618-T-G.
Other names: short protein forms M498R.
Identifiers: ClinVar variation 4646573 (VCV004646573.1).